The following is an entry in ClinVar:

NM_004006.3(DMD):c.9880_9881dup (p.Trp3294fs)

Gene: DMD (dystrophin; minus strand). Cytogenetic location: Xp21.2.
Variant type: Microsatellite.
Coding change: c.9880_9881dup on transcript NM_004006.3 (MANE Select); coding-DNA positions 9880 to 9881, 2 bases duplicated (TG; older notation c.9880_9881dupTG).
Protein change: p.Trp3294fs; shifts the reading frame from tryptophan 3294.
Molecular consequence: frameshift variant.
Genome position (GRCh38, 1-based): chrX:31,182,831-31,182,832, CA duplicated on the plus strand (TG on the coding strand, the reverse complement: DMD is on the minus strand); duplicating any 2 consecutive bases within chrX:31,182,831-31,182,835 gives the same sequence; the c. name uses the placement nearest the transcript's 3' end. VCF-style (leftmost placement, unchanged base first): chrX-31182830-C-CCA. GRCh37 (hg19) VCF-style: chrX-31200947-C-CCA.
Other names: c.9856_9857dup, p.Trp3286fs (NM_000109.4); c.9868_9869dup, p.Trp3290fs (NM_004009.3); c.9511_9512dup, p.Trp3171fs (NM_004010.3); c.5857_5858dup, p.Trp1953fs (NM_004011.4); c.5848_5849dup, p.Trp1950fs (NM_004012.4); c.2500_2501dup, p.Trp834fs (NM_004013.3, NM_004020.4, NM_004021.3 and 2 more transcripts); c.1693_1694dup, p.Trp565fs (NM_004014.3); c.676_677dup, p.Trp226fs (NM_004015.3, NM_004016.3, NM_004017.3 and 2 more transcripts); and 1 more; short protein forms W3290fs, W3294fs, W3286fs, W1950fs, W226fs, W565fs, W834fs, W1953fs.
Identifiers: ClinVar variation 585788 (VCV000585788.2), dbSNP rs1569427535, ClinGen allele CA891843810.

ClinVar aggregate classification (germline): Pathogenic (1 of 4 stars; one submission).

Submission:

Athena Diagnostics
Classification: Pathogenic. Last evaluated: 2018-08-20. Review status: criteria provided, single submitter. Criteria: Athena Diagnostics Criteria. Collection method: clinical testing. Allele origin: germline.
Comment: The variant results in a shift of the reading frame, and is therefore predicted to significantly disrupt the protein structure. Found in at least one symptomatic patient, and not found in general population data.

Literature cited by the submitters: PubMed 19937601.